The following is an entry in ClinVar:

ClinVar aggregate classification (germline): Benign/Likely benign. Review status: criteria provided, multiple submitters, no conflicts (2 of 4 stars). 5 submissions from 5 submitters: Benign (3); Likely benign (1). 1 of the submissions does not count toward it. Last evaluated 2026-02-01.

Conditions:
INPP5E-related disorder. Also called: INPP5E-related condition.
Joubert syndrome 1 (JBTS1). Also called: CEREBELLOPARENCHYMAL DISORDER IV; Cerebellooculorenal syndrome 1. Identifiers: MedGen C4551568, MONDO:0008944, OMIM 213300.
Joubert syndrome. Also called: Familial aplasia of the vermis; JOUBERT-BOLTSHAUSER SYNDROME. Identifiers: Orphanet 475, MedGen C5979921, MONDO:0018772.

Allele frequency attached by ClinVar (database versions not stated): gnomAD 0.00117 and 0.00123; gnomAD exomes 0.00360; ESP Exome Variant Server 0.00031; TOPMed 0.00295; 1000 Genomes Project 0.00399; ExAC 0.00320; 1000 Genomes Project 30x 0.00234.
gnomAD v4.1: 1,616 of 1,575,526 alleles (0.1%); highest among the groups gnomAD compares: Admixed American, 1.6%; 18 homozygotes.

Submissions (5):

Labcorp Genetics (formerly Invitae), Labcorp
Classification: Benign for Joubert syndrome. Last evaluated: 2026-02-01. Review status: criteria provided, single submitter. Criteria: Invitae Variant Classification Sherloc (09022015). Collection method: clinical testing. Allele origin: germline.

Illumina Laboratory Services, Illumina
Classification: Benign for Joubert syndrome 1. Last evaluated: 2018-01-12. Review status: criteria provided, single submitter. Criteria: ICSL Variant Classification Criteria 13 December 2019. Collection method: clinical testing. Allele origin: germline.
Comment: This variant was observed in the ICSL laboratory as part of a predisposition screen in an ostensibly healthy population. It had not been previously curated by ICSL or reported in the Human Gene Mutation Database (HGMD: prior to June 1st, 2018), and was therefore a candidate for classification through an automated scoring system. Utilizing variant allele frequency, disease prevalence and penetrance estimates, and inheritance mode, an automated score was calculated to assess if this variant is too frequent to cause the disease. Based on the score and internal cut-off values, a variant classified as benign is not then subjected to further curation. The score for this variant resulted in a classification of benign for this disease.

GeneDx
Classification: Benign. Last evaluated: 2016-02-04. Review status: criteria provided, single submitter. Criteria: GeneDx Variant Classification (06012015). Collection method: clinical testing. Allele origin: germline. Affected: yes.
Comment: This variant is considered likely benign or benign based on one or more of the following criteria: it is a conservative change, it occurs at a poorly conserved position in the protein, it is predicted to be benign by multiple in silico algorithms, and/or has population frequency not consistent with disease.

Breakthrough Genomics
Classification: Likely benign. Review status: criteria provided, single submitter. Criteria: ACMG Guidelines, 2015. Collection method: not provided. Allele origin: germline. Inheritance: Autosomal recessive inheritance. Affected: yes.

PreventionGenetics, part of Exact Sciences
Classification: Benign for INPP5E-related condition. Last evaluated: 2021-06-15. Review status: no assertion criteria provided. Collection method: clinical testing. Allele origin: germline. Not counted in ClinVar's aggregate classification.
Comment: This variant is classified as benign based on ACMG/AMP sequence variant interpretation guidelines (Richards et al. 2015 PMID: 25741868, with internal and published modifications).

NM_019892.6(INPP5E):c.1550-14C>T

Gene: INPP5E (inositol polyphosphate-5-phosphatase E; minus strand). Cytogenetic location: 9q34.3.
Variant type: single nucleotide variant.
Coding change: c.1550-14C>T on transcript NM_019892.6 (MANE Select); 14 bases into the intron before coding-DNA position 1550, C replaced by T.
Molecular consequence: intron variant.
Genome position (GRCh38, 1-based): chr9:136,431,131, G>A on the plus strand (C>T on the coding strand, the complement: INPP5E is on the minus strand). VCF-style: chr9-136431131-G-A. GRCh37 (hg19) VCF-style: chr9-139325583-G-A.
Other names: c.1550-14C>T (NM_019892.5); c.1547-14C>T (NM_001318502.2).
Identifiers: ClinVar variation 261199 (VCV000261199.18), dbSNP rs181576122, ClinGen allele CA5336729.
Genomic context (GRCh38, chr9:136,431,131, plus strand): 5'-TGGGAGGAAGTGGATGTCCGGCTCCTGGAAGCCCTTGAAGATGGACCCTGCCACAGGATG[G>A]GCACTCGGACTGGCTCAGACCAGCTTGTGCCAGCCGCCGCACCCCAGGCCCTCACCTCTC-3'